The following is an entry in ClinVar:

ClinVar aggregate classification (germline): Uncertain significance (1 of 4 stars; one submission).

Submission:

GeneDx
Classification: Uncertain significance. Last evaluated: 2024-09-23. Review status: criteria provided, single submitter. Criteria: GeneDx Variant Classification Process June 2021. Collection method: clinical testing. Allele origin: germline. Affected: yes.
Comment: Not observed at significant frequency in large population cohorts (gnomAD); In silico analysis supports that this missense variant has a deleterious effect on protein structure/function; Has not been previously published as pathogenic or benign to our knowledge

NM_181552.4(CUX1):c.2804A>T (p.Tyr935Phe)

Gene: CUX1 (cut like homeobox 1; plus strand). Cytogenetic location: 7q22.1.
Variant type: single nucleotide variant.
Coding change: c.2804A>T on transcript NM_181552.4 (MANE Select); coding-DNA position 2804, A replaced by T.
Protein change: p.Tyr935Phe; replaces tyrosine 935 with phenylalanine.
Molecular consequence: missense variant. On other transcripts: intron variant (5).
Genome position (GRCh38, 1-based): chr7:102,202,101, A>T. VCF-style: chr7-102202101-A-T. GRCh37 (hg19) VCF-style: chr7-101845381-A-T.
Other names: c.2837A>T, p.Tyr946Phe (NM_001202543.2); c.1255+6498A>T (NM_001913.5); c.1249+6498A>T (NM_181500.4); c.1117+6498A>T (NM_001202545.3); c.1207+6498A>T (NM_001202544.3); c.1138+6498A>T (NM_001202546.3); short protein forms Y935F, Y946F.
Identifiers: ClinVar variation 3774299 (VCV003774299.1).